The following is an entry in ClinVar:

NM_015135.3(NUP205):c.4883A>G (p.Gln1628Arg)

Gene: NUP205 (nucleoporin 205; plus strand). Cytogenetic location: 7q33.
Variant type: single nucleotide variant.
Coding change: c.4883A>G on transcript NM_015135.3 (MANE Select); coding-DNA position 4883, A replaced by G.
Protein change: p.Gln1628Arg; replaces glutamine 1628 with arginine.
Molecular consequence: missense variant.
Genome position (GRCh38, 1-based): chr7:135,628,062, A>G. VCF-style: chr7-135628062-A-G. GRCh37 (hg19) VCF-style: chr7-135312810-A-G.
Other names: c.3809A>G, p.Gln1270Arg (NM_001329434.2); c.4883A>G (NM_015135.2); short protein forms Q1270R, Q1628R.
Identifiers: ClinVar variation 1539341 (VCV001539341.34), dbSNP rs147336077, ClinGen allele CA4499011.

ClinVar aggregate classification (germline): Conflicting classifications of pathogenicity. Review status: criteria provided, conflicting classifications (1 of 4 stars). 4 submissions from 4 submitters: Uncertain significance (2); Likely benign (2). Last evaluated 2025-10-30.

Conditions:
NUP205-related disorder. Also called: NUP205-related condition.

Allele frequency attached by ClinVar (database versions not stated): gnomAD exomes 0.00068 and 0.00128; ExAC 0.00071; TOPMed 0.00073; gnomAD 0.00086 and 0.00091; ESP Exome Variant Server 0.00108.
gnomAD v4.1: 1,985 of 1,610,138 alleles (0.12%); highest among the groups gnomAD compares: Non-Finnish European, 0.15%; 2 homozygotes.

Submissions (4):

PreventionGenetics, part of Exact Sciences
Classification: Likely benign for NUP205-related condition. Last evaluated: 2025-10-30. Review status: criteria provided, single submitter. Criteria: ACMG Guidelines, 2015. Collection method: clinical testing. Allele origin: germline.
Comment: This variant is classified as likely benign based on ACMG/AMP sequence variant interpretation guidelines (Richards et al. 2015 PMID: 25741868, with internal and published modifications).

Labcorp Genetics (formerly Invitae), Labcorp
Classification: Likely benign. Last evaluated: 2025-08-05. Review status: criteria provided, single submitter. Criteria: Invitae Variant Classification Sherloc (09022015). Collection method: clinical testing. Allele origin: germline.

Blueprint Genetics
Classification: Uncertain significance. Last evaluated: 2024-09-05. Review status: criteria provided, single submitter. Criteria: ACMG Guidelines, 2015. Collection method: clinical testing. Allele origin: germline.

CeGaT Center for Human Genetics Tuebingen
Classification: Uncertain significance. Last evaluated: 2023-09-01. Review status: criteria provided, single submitter. Criteria: CeGaT Center For Human Genetics Tuebingen Variant Classification Criteria Version 2. Collection method: clinical testing. Allele origin: germline. Affected: yes. Observed: 1 variant allele.